The following is an entry in ClinVar:

NM_006005.3(WFS1):c.2047A>G (p.Met683Val)

Gene: WFS1 (wolframin ER transmembrane glycoprotein; plus strand). Cytogenetic location: 4p16.1.
Variant type: single nucleotide variant.
Coding change: c.2047A>G on transcript NM_006005.3 (MANE Select); coding-DNA position 2047, A replaced by G.
Protein change: p.Met683Val; replaces methionine 683 with valine.
Molecular consequence: missense variant.
Genome position (GRCh38, 1-based): chr4:6,301,842, A>G. VCF-style: chr4-6301842-A-G. GRCh37 (hg19) VCF-style: chr4-6303569-A-G.
Other names: c.2047A>G, p.Met683Val (NM_001145853.1); short protein forms M683V.
Identifiers: ClinVar variation 1803570 (VCV001803570.2), dbSNP rs71524376, ClinGen allele CA91796781.

ClinVar aggregate classification (germline): Uncertain significance (1 of 4 stars; one submission).

Allele frequency attached by ClinVar (database versions not stated): gnomAD exomes 0.00001.
gnomAD v4.1: 13 of 1,613,132 alleles (0.00081%); highest among the groups gnomAD compares: Middle Eastern, 0.016%; no homozygotes.

Submission:

GeneDx
Classification: Uncertain significance. Last evaluated: 2026-07-21. Review status: criteria provided, single submitter. Criteria: GeneDx Variant Classification Process June 2021. Collection method: clinical testing. Allele origin: germline.
Comment: Not observed at significant frequency in large population cohorts (gnomAD); In silico analysis suggests that this missense variant does not alter protein structure/function; Has not been previously published as pathogenic or benign to our knowledge